The following is an entry in ClinVar:

NM_000051.4(ATM):c.7070_7072dup (p.Met2357_Gln2358insLeu)

Genes: ATM (ATM serine/threonine kinase; plus strand), C11orf65 (chromosome 11 open reading frame 65; minus strand). Cytogenetic location: 11q22.3.
Variant type: Duplication.
Coding change: c.7070_7072dup on transcript NM_000051.4 (MANE Select); coding-DNA positions 7070 to 7072, 3 bases duplicated (TGC; older notation c.7070_7072dupTGC).
Protein change: p.Met2357_Gln2358insLeu.
Molecular consequence: inframe insertion. On other transcripts: intron variant (2), inframe indel (1).
Genome position (GRCh38, 1-based): chr11:108,327,739-108,327,741, TGC duplicated. VCF-style (leftmost placement, unchanged base first): chr11-108327738-A-ATGC. GRCh37 (hg19) VCF-style: chr11-108198465-A-ATGC.
Other names: c.7070_7072dup, p.Met2357_Gln2358insLeu (NM_001351834.2); c.641-18670_641-18668dup (NM_001330368.2); c.*38+7479_*38+7481dup (NM_001351110.2); c.7070_7072dupTGC (NM_000051.3).
Identifiers: ClinVar variation 664651 (VCV000664651.11), dbSNP rs1591142874, ClinGen allele CA915947673.

ClinVar aggregate classification (germline): Uncertain significance. Review status: criteria provided, multiple submitters, no conflicts (2 of 4 stars). 2 submissions from 2 submitters: Uncertain significance (2). Last evaluated 2026-01-31.

Conditions:
Ataxia-telangiectasia syndrome (AT). Also called: Ataxia-telangiectasia, complementation group D; AT, COMPLEMENTATION GROUP C; ATAXIA-TELANGIECTASIA, COMPLEMENTATION GROUP A; ATAXIA-TELANGIECTASIA, FRESNO VARIANT; Ataxia-telangiectasia; LOUIS-BAR SYNDROME. Identifiers: Orphanet 100, MedGen C0004135, MONDO:0008840, OMIM 208900.
Familial cancer of breast. Also called: Hereditary breast cancer; BREAST CANCER, FAMILIAL; hereditary breast carcinoma. Identifiers: Orphanet 227535, MedGen C0346153, MONDO:0016419, OMIM 114480. Disease mechanism: loss of function.

Submissions (2):

Labcorp Genetics (formerly Invitae), Labcorp
Classification: Uncertain significance for Ataxia-telangiectasia syndrome. Last evaluated: 2026-01-31. Review status: criteria provided, single submitter. Criteria: Invitae Variant Classification Sherloc (09022015). Collection method: clinical testing. Allele origin: germline.
Comment: This variant, c.7070_7072dup, results in the insertion of 1 amino acid(s) of the ATM protein (p.Met2357_Gln2358insLeu), but otherwise preserves the integrity of the reading frame. This variant is not present in population databases (gnomAD no frequency). This variant has not been reported in the literature in individuals affected with ATM-related conditions. ClinVar contains an entry for this variant (Variation ID: 664651). Experimental studies and prediction algorithms are not available or were not evaluated, and the functional significance of this variant is currently unknown. In summary, the available evidence is currently insufficient to determine the role of this variant in disease. Therefore, it has been classified as a Variant of Uncertain Significance.

Baylor Genetics
Classification: Uncertain significance for Familial cancer of breast. Last evaluated: 2024-02-27. Review status: criteria provided, single submitter. Criteria: ACMG Guidelines, 2015. Collection method: clinical testing. Allele origin: unknown.